The following is an entry in ClinVar:

NM_001734.5(C1S):c.893A>G (p.Asp298Gly)

Gene: C1S (complement C1s; plus strand). Cytogenetic location: 12p13.31.
Variant type: single nucleotide variant.
Coding change: c.893A>G on transcript NM_001734.5 (MANE Select); coding-DNA position 893, A replaced by G.
Protein change: p.Asp298Gly; replaces aspartic acid 298 with glycine.
Molecular consequence: missense variant.
Genome position (GRCh38, 1-based): chr12:7,066,539, A>G. VCF-style: chr12-7066539-A-G. GRCh37 (hg19) VCF-style: chr12-7173843-A-G.
Other names: c.392A>G, p.Asp131Gly (NM_001346850.2); c.893A>G, p.Asp298Gly (NM_201442.4); short protein forms D131G, D298G.
Identifiers: ClinVar variation 3632702 (VCV003632702.2).
Genomic context (GRCh38, chr12:7,066,539, plus strand): 5'-GTAATTTTTTCCTCCTGTCCCAACTTCTGTTCTTTCAAGCAATGCCCTGCCCTAAGGAAG[A>G]CACTCCCAATTCTGTTTGGGAGCCTGCGAAGGCAAAATATGTCTTTAGAGATGTGGTGCA-3'
Protein context (NP_001725.1, residues 288-308): HGDPMPCPKE[Asp298Gly]TPNSVWEPAK

ClinVar aggregate classification (germline): Uncertain significance (1 of 4 stars; one submission).

Submission:

Labcorp Genetics (formerly Invitae), Labcorp
Classification: Uncertain significance. Last evaluated: 2024-07-10. Review status: criteria provided, single submitter. Criteria: Invitae Variant Classification Sherloc (09022015). Collection method: clinical testing. Allele origin: germline.
Comment: This sequence change replaces aspartic acid, which is acidic and polar, with glycine, which is neutral and non-polar, at codon 298 of the C1S protein (p.Asp298Gly). This variant is not present in population databases (gnomAD no frequency). This variant has not been reported in the literature in individuals affected with C1S-related conditions. Advanced modeling of protein sequence and biophysical properties (such as structural, functional, and spatial information, amino acid conservation, physicochemical variation, residue mobility, and thermodynamic stability) performed at Invitae indicates that this missense variant is not expected to disrupt C1S protein function with a negative predictive value of 80%. In summary, the available evidence is currently insufficient to determine the role of this variant in disease. Therefore, it has been classified as a Variant of Uncertain Significance.